The following is an entry in ClinVar:

ClinVar aggregate classification (germline): Likely pathogenic. Review status: criteria provided, multiple submitters, no conflicts (2 of 4 stars). 2 submissions from 2 submitters: Likely pathogenic (2). Last evaluated 2024-08-05.

Conditions:
LPIN2-related disorders.
Majeed syndrome (MJDS). Also called: CHRONIC RECURRENT MULTIFOCAL OSTEOMYELITIS 1, WITH CONGENITAL DYSERYTHROPOIETIC ANEMIA, WITH OR WITHOUT NEUTROPHILIC DERMATOSIS; LPIN2-Related Majeed Syndrome. Identifiers: Orphanet 77297, MedGen C1864997, MONDO:0012316, OMIM 609628.

Allele frequency attached by ClinVar (database versions not stated): gnomAD exomes below 0.00001.
gnomAD v4.1: 1 of 1,613,012 alleles (0.000062%); highest among the groups gnomAD compares: Non-Finnish European, 0.000085%; no homozygotes.

Submissions (2):

Blueprint Genetics
Classification: Likely pathogenic for LPIN2-related disorders. Last evaluated: 2024-08-05. Review status: criteria provided, single submitter. Criteria: ACMG Guidelines, 2015. Collection method: clinical testing. Allele origin: germline. Affected: yes. Observed: 2 variant alleles.

Labcorp Genetics (formerly Invitae), Labcorp
Classification: Likely pathogenic for Majeed syndrome. Last evaluated: 2022-02-20. Review status: criteria provided, single submitter. Criteria: Invitae Variant Classification Sherloc (09022015). Collection method: clinical testing. Allele origin: germline.
Comment: This variant is not present in population databases (gnomAD no frequency). In summary, the currently available evidence indicates that the variant is pathogenic, but additional data are needed to prove that conclusively. Therefore, this variant has been classified as Likely Pathogenic. Algorithms developed to predict the effect of sequence changes on RNA splicing suggest that this variant may disrupt the consensus splice site. This variant has not been reported in the literature in individuals affected with LPIN2-related conditions. This sequence change affects an acceptor splice site in intron 5 of the LPIN2 gene. It is expected to disrupt RNA splicing. Variants that disrupt the donor or acceptor splice site typically lead to a loss of protein function (PMID: 16199547), and loss-of-function variants in LPIN2 are known to be pathogenic (PMID: 15994876, 23087183).

Literature cited by the submitters: PubMed 16199547 (cited by Labcorp Genetics (formerly Invitae), Labcorp); PubMed 15994876 (cited by Labcorp Genetics (formerly Invitae), Labcorp); PubMed 23087183 (cited by Labcorp Genetics (formerly Invitae), Labcorp).

NM_001375808.2(LPIN2):c.699-2A>G

Gene: LPIN2 (lipin 2; minus strand). Cytogenetic location: 18p11.31.
Variant type: single nucleotide variant.
Coding change: c.699-2A>G on transcript NM_001375808.2 (MANE Select); the canonical splice acceptor site of the intron before coding-DNA position 699, A replaced by G.
Molecular consequence: splice acceptor variant.
Genome position (GRCh38, 1-based): chr18:2,939,605, T>C on the plus strand (A>G on the coding strand, the complement: LPIN2 is on the minus strand). VCF-style: chr18-2939605-T-C. GRCh37 (hg19) VCF-style: chr18-2939603-T-C.
Other names: c.699-2A>G (NM_014646.2, NM_001375809.1).
Identifiers: ClinVar variation 2099878 (VCV002099878.5), dbSNP rs2510266170, ClinGen allele CA401707478.